The following is an entry in ClinVar:

ClinVar aggregate classification (germline): Likely benign. Review status: criteria provided, multiple submitters, no conflicts (2 of 4 stars). 2 submissions from 2 submitters: Likely benign (2). Last evaluated 2023-07-01.

Allele frequency attached by ClinVar (database versions not stated): ExAC 0.00009; gnomAD exomes 0.00009 and 0.00012; gnomAD 0.00014; TOPMed 0.00015.
gnomAD v4.1: 195 of 1,599,062 alleles (0.012%); highest among the groups gnomAD compares: Non-Finnish European, 0.015%; no homozygotes.

Submissions (2):

CeGaT Center for Human Genetics Tuebingen
Classification: Likely benign. Last evaluated: 2023-07-01. Review status: criteria provided, single submitter. Criteria: CeGaT Center For Human Genetics Tuebingen Variant Classification Criteria Version 2. Collection method: clinical testing. Allele origin: germline. Affected: yes. Observed: 1 variant allele.
Comment: XIRP1: BP4, BP7

Labcorp Genetics (formerly Invitae), Labcorp
Classification: Likely benign. Last evaluated: 2019-12-31. Review status: criteria provided, single submitter. Criteria: Invitae Variant Classification Sherloc (09022015). Collection method: clinical testing. Allele origin: germline.

NM_194293.4(XIRP1):c.2121G>A (p.Lys707=)

Gene: XIRP1 (xin actin binding repeat containing 1; minus strand). Cytogenetic location: 3p22.2.
Variant type: single nucleotide variant.
Coding change: c.2121G>A on transcript NM_194293.4 (MANE Select); coding-DNA position 2121, G replaced by A.
Protein change: p.Lys707=; no amino-acid change (lysine 707 retained).
Molecular consequence: synonymous variant. On other transcripts: intron variant (1).
Genome position (GRCh38, 1-based): chr3:39,187,325, C>T on the plus strand (G>A on the coding strand, the complement: XIRP1 is on the minus strand). VCF-style: chr3-39187325-C-T. GRCh37 (hg19) VCF-style: chr3-39228816-C-T.
Other names: c.2121G>A, p.Lys707= (NM_001198621.4); c.-167-1664G>A (NM_001351377.2).
Identifiers: ClinVar variation 719461 (VCV000719461.28), dbSNP rs769326834, ClinGen allele CA2326332.